The following is an entry in ClinVar:

ClinVar aggregate classification (germline): Uncertain significance (1 of 4 stars; one submission).

Submission:

Labcorp Genetics (formerly Invitae), Labcorp
Classification: Uncertain significance. Last evaluated: 2023-02-21. Review status: criteria provided, single submitter. Criteria: Invitae Variant Classification Sherloc (09022015). Collection method: clinical testing. Allele origin: germline.
Comment: In summary, the available evidence is currently insufficient to determine the role of this variant in disease. Therefore, it has been classified as a Variant of Uncertain Significance. An algorithm developed to predict the effect of missense changes on protein structure and function (PolyPhen-2) suggests that this variant is likely to be tolerated. This variant has not been reported in the literature in individuals affected with POLR1A-related conditions. Information on the frequency of this variant in the gnomAD database is not available, as this variant may be reported differently in the database. This sequence change replaces arginine, which is basic and polar, with leucine, which is neutral and non-polar, at codon 843 of the POLR1A protein (p.Arg843Leu).

NM_015425.6(POLR1A):c.2528_2529delinsTG (p.Arg843Leu)

Gene: POLR1A (RNA polymerase I subunit A; minus strand). Cytogenetic location: 2p11.2.
Variant type: Indel.
Coding change: c.2528_2529delinsTG on transcript NM_015425.6 (MANE Select); coding-DNA positions 2528 to 2529, GA replaced by TG.
Protein change: p.Arg843Leu; replaces arginine 843 with leucine.
Molecular consequence: missense variant.
Genome position (GRCh38, 1-based): chr2:86,048,989-86,048,990, TC replaced by CA on the plus strand (GA replaced by TG on the coding strand, the reverse complement: POLR1A is on the minus strand). VCF-style: chr2-86048989-TC-CA. GRCh37 (hg19) VCF-style: chr2-86276112-TC-CA.
Other names: short protein forms R843L.
Identifiers: ClinVar variation 2837907 (VCV002837907.3), dbSNP rs2466358433, ClinGen allele CA2739271130.
Genomic context (GRCh38, chr2:86,048,989, plus strand): 5'-CAGATCAATCATGTTAAAATCCCTCTGGTCCTTGCCCAGATGGGCATCCTGCCATTTTCC[TC>CA]GGACCTCATCATATGATGCGGCTTCTGGCAGGTTTAATGCAGCCCTGACAGCCTAGAATG-3'
Protein context (NP_056240.2, residues 833-853): LPEAASYDEV[Arg843Leu]GKWQDAHLGK